The following is an entry in ClinVar:

NM_001318895.3(FHL2):c.295T>A (p.Ser99Thr)

Genes: C2orf49 (chromosome 2 open reading frame 49; plus strand), FHL2 (four and a half LIM domains 2; minus strand). Cytogenetic location: 2q12.2.
Variant type: single nucleotide variant.
Coding change: c.295T>A on transcript NM_001318895.3 (MANE Select); coding-DNA position 295, T replaced by A.
Protein change: p.Ser99Thr; replaces serine 99 with threonine.
Molecular consequence: missense variant. On other transcripts: 5 prime UTR variant (1), intron variant (2).
Genome position (GRCh38, 1-based): chr2:105,373,595, A>T on the plus strand (T>A on the coding strand, the complement: FHL2 is on the minus strand). VCF-style: chr2-105373595-A-T. GRCh37 (hg19) VCF-style: chr2-105990052-A-T.
Other names: c.295T>A, p.Ser99Thr (NM_001039492.3, NM_001318894.1, NM_001318896.2 and 4 more transcripts); c.-30T>A (NM_001318899.2); c.-11-5856T>A (NM_001318897.2, NM_001318898.2); short protein forms S99T.
Identifiers: ClinVar variation 4777920 (VCV004777920.1).

ClinVar aggregate classification (germline): Uncertain significance (1 of 4 stars; one submission).

Conditions:
Primary dilated cardiomyopathy (DCM). Also called: Dilated Cardiomyopathy. Identifiers: Orphanet 217604, MedGen C0007193, MeSH D002311, MONDO:0005021, HP:0001644. Inheritance: Various modes of inheritance.

gnomAD v4.1: 7 of 1,614,060 alleles (0.00043%); highest among the groups gnomAD compares: African/African-American, 0.0093%; no homozygotes.

Submission:

Labcorp Genetics (formerly Invitae), Labcorp
Classification: Uncertain significance for Primary dilated cardiomyopathy. Last evaluated: 2025-06-29. Review status: criteria provided, single submitter. Criteria: Invitae Variant Classification Sherloc (09022015). Collection method: clinical testing. Allele origin: germline.
Comment: This sequence change replaces serine, which is neutral and polar, with threonine, which is neutral and polar, at codon 99 of the FHL2 protein (p.Ser99Thr). This variant is present in population databases (rs77161799, gnomAD 0.008%). This variant has not been reported in the literature in individuals affected with FHL2-related conditions. Invitae Evidence Modeling of protein sequence and biophysical properties (such as structural, functional, and spatial information, amino acid conservation, physicochemical variation, residue mobility, and thermodynamic stability) indicates that this missense variant is not expected to disrupt FHL2 protein function with a negative predictive value of 80%. In summary, the available evidence is currently insufficient to determine the role of this variant in disease. Therefore, it has been classified as a Variant of Uncertain Significance.